The following is an entry in ClinVar:

NM_152564.5(VPS13B):c.1045G>A (p.Ala349Thr)

Gene: VPS13B (vacuolar protein sorting 13 homolog B; plus strand). Cytogenetic location: 8q22.2.
Variant type: single nucleotide variant.
Coding change: c.1045G>A on transcript NM_152564.5 (MANE Select); coding-DNA position 1045, G replaced by A.
Protein change: p.Ala349Thr; replaces alanine 349 with threonine.
Molecular consequence: missense variant. On other transcripts: non-coding transcript variant (1).
Genome position (GRCh38, 1-based): chr8:99,121,284, G>A. VCF-style: chr8-99121284-G-A. GRCh37 (hg19) VCF-style: chr8-100133512-G-A.
Other names: c.1045G>A, p.Ala349Thr (NM_015243.3, NM_017890.5, NM_181661.3); short protein forms A349T.
Identifiers: ClinVar variation 2141358 (VCV002141358.4), dbSNP rs2488710417, ClinGen allele CA371860997.

ClinVar aggregate classification (germline): Uncertain significance (1 of 4 stars; one submission).

Conditions:
Cohen syndrome (COH1). Also called: PEPPER SYNDROME; Cutis verticis gyrata, retinitis pigmentosa, and sensorineural deafness. Identifiers: Orphanet 193, MedGen C0265223, MONDO:0008999, OMIM 216550.

Allele frequency attached by ClinVar (database versions not stated): gnomAD exomes below 0.00001.
gnomAD v4.1: 1 of 1,614,164 alleles (0.000062%); highest among the groups gnomAD compares: Non-Finnish European, 0.000085%; no homozygotes.

Submission:

Labcorp Genetics (formerly Invitae), Labcorp
Classification: Uncertain significance for Cohen syndrome. Last evaluated: 2022-01-07. Review status: criteria provided, single submitter. Criteria: Invitae Variant Classification Sherloc (09022015). Collection method: clinical testing. Allele origin: germline.
Comment: In summary, the available evidence is currently insufficient to determine the role of this variant in disease. Therefore, it has been classified as a Variant of Uncertain Significance. Algorithms developed to predict the effect of missense changes on protein structure and function are either unavailable or do not agree on the potential impact of this missense change (SIFT: "Not Available"; PolyPhen-2: "Possibly Damaging"; Align-GVGD: "Not Available"). This variant has not been reported in the literature in individuals affected with VPS13B-related conditions. This variant is not present in population databases (gnomAD no frequency). This sequence change replaces alanine, which is neutral and non-polar, with threonine, which is neutral and polar, at codon 349 of the VPS13B protein (p.Ala349Thr).